The following is an entry in ClinVar:

NM_001854.4(COL11A1):c.1096G>A (p.Asp366Asn)

Gene: COL11A1 (collagen type XI alpha 1 chain; minus strand). Cytogenetic location: 1p21.1.
Variant type: single nucleotide variant.
Coding change: c.1096G>A on transcript NM_001854.4 (MANE Select); coding-DNA position 1096, G replaced by A.
Protein change: p.Asp366Asn; replaces aspartic acid 366 with asparagine.
Molecular consequence: missense variant. On other transcripts: non-coding transcript variant (1), intron variant (1).
Genome position (GRCh38, 1-based): chr1:103,022,891, C>T on the plus strand (G>A on the coding strand, the complement: COL11A1 is on the minus strand). VCF-style: chr1-103022891-C-T. GRCh37 (hg19) VCF-style: chr1-103488447-C-T.
Other names: c.1096G>A (NM_001854.3); c.979G>A, p.Asp327Asn (NM_001190709.2); c.1132G>A, p.Asp378Asn (NM_080629.3); c.898-1122G>A (NM_080630.4); short protein forms D366N, D378N, D327N.
Identifiers: ClinVar variation 1353688 (VCV001353688.9), dbSNP rs773168949, ClinGen allele CA975116.

ClinVar aggregate classification (germline): Conflicting classifications of pathogenicity. Review status: criteria provided, conflicting classifications (1 of 4 stars). 4 submissions from 4 submitters: Uncertain significance (3); Likely benign (1). Last evaluated 2025-12-15.

Conditions:
Inborn genetic diseases. Identifiers: MedGen C0950123, MeSH D030342.

Allele frequency attached by ClinVar (database versions not stated): gnomAD exomes below 0.00001; TOPMed below 0.00001; ExAC 0.00001; gnomAD 0.00001.
gnomAD v4.1: 12 of 1,613,730 alleles (0.00074%); highest among the groups gnomAD compares: Non-Finnish European, 0.001%; no homozygotes.

Submissions (4):

Women's Health and Genetics/Laboratory Corporation of America, LabCorp
Classification: Uncertain significance. Last evaluated: 2025-12-15. Review status: criteria provided, single submitter. Criteria: LabCorp Variant Classification Summary - May 2015. Collection method: clinical testing. Allele origin: germline.
Comment: Variant summary: COL11A1 c.1096G>A (p.Asp366Asn) results in a conservative amino acid change in the encoded protein sequence. Algorithms developed to predict the effect of missense changes on protein structure and function are either unavailable or do not agree on the potential impact of this missense change. The variant allele was found at a frequency of 4e-06 in 251140 control chromosomes. The available data on variant occurrences in the general population are insufficient to allow any conclusion about variant significance. To our knowledge, no occurrence of c.1096G>A in individuals affected with COL11A1-related conditions and no experimental evidence demonstrating its impact on protein function have been reported. ClinVar contains an entry for this variant (Variation ID: 1353688). Based on the evidence outlined above, the variant was classified as uncertain significance.

Labcorp Genetics (formerly Invitae), Labcorp
Classification: Likely benign. Last evaluated: 2025-11-14. Review status: criteria provided, single submitter. Criteria: Invitae Variant Classification Sherloc (09022015). Collection method: clinical testing. Allele origin: germline.

Ambry Genetics
Classification: Uncertain significance for Inborn genetic diseases. Last evaluated: 2025-08-29. Review status: criteria provided, single submitter. Criteria: Ambry Variant Classification Scheme 2023. Collection method: clinical testing. Allele origin: germline.

Blueprint Genetics
Classification: Uncertain significance. Last evaluated: 2024-05-23. Review status: criteria provided, single submitter. Criteria: ACMG Guidelines, 2015. Collection method: clinical testing. Allele origin: germline.